The following is an entry in ClinVar:

ClinVar aggregate classification (germline): Uncertain significance. Review status: criteria provided, multiple submitters, no conflicts (2 of 4 stars). 2 submissions from 2 submitters: Uncertain significance (2). Last evaluated 2025-01-08.

Conditions:
Inborn genetic diseases. Identifiers: MedGen C0950123, MeSH D030342.

gnomAD v4.1: 1 of 1,614,240 alleles (0.000062%); highest among the groups gnomAD compares: Non-Finnish European, 0.000085%; no homozygotes.

Submissions (2):

GeneDx
Classification: Uncertain significance. Last evaluated: 2025-01-08. Review status: criteria provided, single submitter. Criteria: GeneDx Variant Classification Process June 2021. Collection method: clinical testing. Allele origin: germline. Affected: yes.
Comment: Not observed at significant frequency in large population cohorts (gnomAD); In silico analysis supports that this missense variant has a deleterious effect on protein structure/function; Has not been previously published as pathogenic or benign to our knowledge

Ambry Genetics
Classification: Uncertain significance for Inborn genetic diseases. Last evaluated: 2023-06-21. Review status: criteria provided, single submitter. Criteria: Ambry Variant Classification Scheme 2023. Collection method: clinical testing. Allele origin: germline.

NM_000540.3(RYR1):c.3270G>C (p.Glu1090Asp)

Gene: RYR1 (ryanodine receptor 1; plus strand). Cytogenetic location: 19q13.2.
Variant type: single nucleotide variant.
Coding change: c.3270G>C on transcript NM_000540.3 (MANE Select); coding-DNA position 3270, G replaced by C.
Protein change: p.Glu1090Asp; replaces glutamic acid 1090 with aspartic acid.
Molecular consequence: missense variant.
Genome position (GRCh38, 1-based): chr19:38,467,701, G>C. VCF-style: chr19-38467701-G-C. GRCh37 (hg19) VCF-style: chr19-38958341-G-C.
Other names: c.3270G>C, p.Glu1090Asp (NM_001042723.2); short protein forms E1090D.
Identifiers: ClinVar variation 2605068 (VCV002605068.3), dbSNP rs577203385, ClinGen allele CA405637170.